The following is an entry in ClinVar:

ClinVar aggregate classification (germline): Uncertain significance. Review status: criteria provided, multiple submitters, no conflicts (2 of 4 stars). 7 submissions from 7 submitters: Uncertain significance (4). 3 of the submissions do not count toward it. Last evaluated 2024-12-27.

Conditions:
Hypertrophic cardiomyopathy 14. Identifiers: MedGen C2750467, MONDO:0013197, OMIM 613251.
Arrhythmogenic right ventricular dysplasia 9 (ARVD9). Also called: ARRHYTHMOGENIC RIGHT VENTRICULAR DYSPLASIA, FAMILIAL, 9; Arrhythmogenic Right Ventricular Dysplasia/Cardiomyopathy 9. Identifiers: MedGen C1836906, MONDO:0012180, OMIM 609040.
Cardiovascular phenotype. Identifiers: MedGen CN230736.

Submissions (7):

Labcorp Genetics (formerly Invitae), Labcorp
Classification: Uncertain significance for Hypertrophic cardiomyopathy 14. Last evaluated: 2024-12-27. Review status: criteria provided, single submitter. Criteria: Invitae Variant Classification Sherloc (09022015). Collection method: clinical testing. Allele origin: germline.
Comment: This sequence change creates a premature translational stop signal (p.Ala1203Glyfs*30) in the MYH6 gene. It is expected to result in an absent or disrupted protein product. However, the current clinical and genetic evidence is not sufficient to establish whether loss-of-function variants in MYH6 cause disease. This variant is present in population databases (no rsID available, gnomAD 0.002%). This variant has not been reported in the literature in individuals affected with MYH6-related conditions. ClinVar contains an entry for this variant (Variation ID: 265832). In summary, the available evidence is currently insufficient to determine the role of this variant in disease. Therefore, it has been classified as a Variant of Uncertain Significance.

Ambry Genetics
Classification: Uncertain significance for Cardiovascular phenotype. Last evaluated: 2024-11-09. Review status: criteria provided, single submitter. Criteria: Ambry Variant Classification Scheme 2023. Collection method: clinical testing. Allele origin: germline.
Comment: The c.3607dupG variant, located in coding exon 24 of the MYH6 gene, results from a duplication of G at nucleotide position 3607, causing a translational frameshift with a predicted alternate stop codon (p.A1203Gfs*30). This alteration is expected to result in protein truncation or nonsense-mediated mRNA decay. However, loss of function of MYH6 has not been established as a mechanism of disease. Based on the available evidence, the clinical significance of this alteration remains unclear.

AiLife Diagnostics
Classification: Uncertain significance. Last evaluated: 2021-12-27. Review status: criteria provided, single submitter. Criteria: ACMG Guidelines, 2015. Collection method: clinical testing. Allele origin: germline. Affected: yes. Observed: 1 variant allele.

GeneDx
Classification: Uncertain significance. Last evaluated: 2020-08-14. Review status: criteria provided, single submitter. Criteria: GeneDx Variant Classification Process June 2021. Collection method: clinical testing. Allele origin: germline. Affected: yes.
Comment: Has not been previously published as pathogenic or benign to our knowledge; Not observed at a significant frequency in large population cohorts (Lek et al., 2016); Reported in ClinVar but additional evidence is not available (ClinVar Variant ID #265832; Landrum et al., 2016); Frameshift variant predicted to result in protein truncation or nonsense mediated decay in a gene for which loss-of-function is not a known mechanism of disease

Institut für Laboratoriums- und Transfusionsmedizin, Herz- und Diabeteszentrum Nordrhein-Westfalen
Classification: Uncertain significance for Arrhythmogenic right ventricular dysplasia 9. Last evaluated: 2016-05-01. Review status: no assertion criteria provided. Collection method: clinical testing. Allele origin: inherited. Affected: yes. Observed: 2 variant alleles. Not counted in ClinVar's aggregate classification.

Clinical Genetics DNA and cytogenetics Diagnostics Lab, Erasmus MC, Erasmus Medical Center
Classification: Uncertain significance. Review status: no assertion criteria provided. Collection method: clinical testing. Allele origin: germline. Affected: yes. Study: VKGL Data-share Consensus. Not counted in ClinVar's aggregate classification.

Joint Genome Diagnostic Labs from Nijmegen and Maastricht, Radboudumc and MUMC+
Classification: Uncertain significance. Review status: no assertion criteria provided. Collection method: clinical testing. Allele origin: germline. Affected: yes. Study: VKGL Data-share Consensus. Not counted in ClinVar's aggregate classification.

NM_002471.4(MYH6):c.3607dup (p.Ala1203fs)

Gene: MYH6 (myosin heavy chain 6; minus strand). Cytogenetic location: 14q11.2.
Variant type: Duplication.
Coding change: c.3607dup on transcript NM_002471.4 (MANE Select); coding-DNA position 3607, one base duplicated (G; older notation c.3607dupG).
Protein change: p.Ala1203fs; shifts the reading frame from alanine 1203.
Molecular consequence: frameshift variant.
Genome position (GRCh38, 1-based): chr14:23,390,182, C duplicated on the plus strand (G on the coding strand, the reverse complement: MYH6 is on the minus strand); the first of 2 consecutive C bases (chr14:23,390,182-23,390,183); duplicating either gives the same sequence. VCF-style (leftmost placement, unchanged base first): chr14-23390181-G-GC. GRCh37 (hg19) VCF-style: chr14-23859390-G-GC.
Other names: c.3607dupG (NM_002471.3); short protein forms A1203fs.
Identifiers: ClinVar variation 265832 (VCV000265832.15), dbSNP rs1114167343, ClinGen allele CA613317576.
Genomic context (GRCh38, chr14:23,390,181, plus strand): 5'-TTCTCCTTCTCCAGCTTCTGCTTCACCCGCTGCAGGTTGTCGATCTGCTCGCCCAGCTCG[G>GC]CCACGCTGTCGGCGTGCTTCTTGCGCAGGGCCGCGGCAGTGGCCTCGTGCTGCAGCGTGG-3'